The following is an entry in ClinVar:

NM_001105206.3(LAMA4):c.1190-132C>T

Gene: LAMA4 (laminin subunit alpha 4; minus strand). Cytogenetic location: 6q21.
Variant type: single nucleotide variant.
Coding change: c.1190-132C>T on transcript NM_001105206.3 (MANE Select); 132 bases into the intron before coding-DNA position 1190, C replaced by T.
Molecular consequence: intron variant.
Genome position (GRCh38, 1-based): chr6:112,175,612, G>A on the plus strand (C>T on the coding strand, the complement: LAMA4 is on the minus strand). VCF-style: chr6-112175612-G-A. GRCh37 (hg19) VCF-style: chr6-112496814-G-A.
Other names: c.1169-132C>T (NM_002290.5, NM_001105207.3).
Identifiers: ClinVar variation 676591 (VCV000676591.1), dbSNP rs555120326, ClinGen allele CA144877335.

ClinVar aggregate classification (germline): Likely benign (1 of 4 stars; one submission).

Allele frequency attached by ClinVar (database versions not stated): gnomAD exomes 0.00040; 1000 Genomes Project 0.00300; gnomAD 0.00333 and 0.00359; 1000 Genomes Project 30x 0.00375; TOPMed 0.00392.
gnomAD v4.1: 795 of 868,680 alleles (0.092%); highest among the groups gnomAD compares: African/African-American, 1.2%; 5 homozygotes.

Submission:

GeneDx
Classification: Likely benign. Last evaluated: 2018-06-16. Review status: criteria provided, single submitter. Criteria: GeneDx Variant Classification (06012015). Collection method: clinical testing. Allele origin: germline. Affected: yes.
Comment: This variant is considered likely benign or benign based on one or more of the following criteria: it is a conservative change, it occurs at a poorly conserved position in the protein, it is predicted to be benign by multiple in silico algorithms, and/or has population frequency not consistent with disease.